The following is an entry in ClinVar:

ClinVar aggregate classification (germline): Uncertain significance (1 of 4 stars; one submission).

Allele frequency attached by ClinVar (database versions not stated): TOPMed below 0.00001; gnomAD 0.00001; gnomAD exomes 0.00001.
gnomAD v4.1: 10 of 1,613,538 alleles (0.00062%); highest among the groups gnomAD compares: Non-Finnish European, 0.00068%; no homozygotes.

Submission:

GeneDx
Classification: Uncertain significance. Last evaluated: 2022-10-19. Review status: criteria provided, single submitter. Criteria: GeneDx Variant Classification Process June 2021. Collection method: clinical testing. Allele origin: germline. Affected: yes.
Comment: In silico analysis supports that this missense variant has a deleterious effect on protein structure/function; Has not been previously published as pathogenic or benign to our knowledge

NM_017672.6(TRPM7):c.4775C>T (p.Pro1592Leu)

Gene: TRPM7 (transient receptor potential cation channel subfamily M member 7; minus strand). Cytogenetic location: 15q21.2.
Variant type: single nucleotide variant.
Coding change: c.4775C>T on transcript NM_017672.6 (MANE Select); coding-DNA position 4775, C replaced by T.
Protein change: p.Pro1592Leu; replaces proline 1592 with leucine.
Molecular consequence: missense variant. On other transcripts: non-coding transcript variant (3).
Genome position (GRCh38, 1-based): chr15:50,575,096, G>A on the plus strand (C>T on the coding strand, the complement: TRPM7 is on the minus strand). VCF-style: chr15-50575096-G-A. GRCh37 (hg19) VCF-style: chr15-50867293-G-A.
Other names: c.4772C>T, p.Pro1591Leu (NM_001301212.2); short protein forms P1591L, P1592L.
Identifiers: ClinVar variation 2499973 (VCV002499973.1), dbSNP rs1399450479, ClinGen allele CA392388709.